The following is an entry in ClinVar:

NM_015346.4(ZFYVE26):c.7349C>T (p.Ala2450Val)

Gene: ZFYVE26 (zinc finger FYVE-type containing 26; minus strand). Cytogenetic location: 14q24.1.
Variant type: single nucleotide variant.
Coding change: c.7349C>T on transcript NM_015346.4 (MANE Select); coding-DNA position 7349, C replaced by T.
Protein change: p.Ala2450Val; replaces alanine 2450 with valine.
Molecular consequence: missense variant.
Genome position (GRCh38, 1-based): chr14:67,752,366, G>A on the plus strand (C>T on the coding strand, the complement: ZFYVE26 is on the minus strand). VCF-style: chr14-67752366-G-A. GRCh37 (hg19) VCF-style: chr14-68219083-G-A.
Other names: short protein forms A2450V.
Identifiers: ClinVar variation 1430507 (VCV001430507.6), dbSNP rs2038671321, ClinGen allele CA390158075.

ClinVar aggregate classification (germline): Uncertain significance (1 of 4 stars; one submission).

Conditions:
Spastic paraplegia. Identifiers: MedGen C0037772, HP:0001258.

Allele frequency attached by ClinVar (database versions not stated): gnomAD exomes 0.00001; TOPMed 0.00002.
gnomAD v4.1: 8 of 1,611,672 alleles (0.0005%); highest among the groups gnomAD compares: East Asian, 0.0022%; no homozygotes.

Submission:

Labcorp Genetics (formerly Invitae), Labcorp
Classification: Uncertain significance for Spastic paraplegia. Last evaluated: 2025-09-08. Review status: criteria provided, single submitter. Criteria: Invitae Variant Classification Sherloc (09022015). Collection method: clinical testing. Allele origin: germline.
Comment: This sequence change replaces alanine, which is neutral and non-polar, with valine, which is neutral and non-polar, at codon 2450 of the ZFYVE26 protein (p.Ala2450Val). This variant is not present in population databases (gnomAD no frequency). This variant has not been reported in the literature in individuals affected with ZFYVE26-related conditions. ClinVar contains an entry for this variant (Variation ID: 1430507). An algorithm developed to predict the effect of missense changes on protein structure and function (PolyPhen-2) suggests that this variant is likely to be tolerated. In summary, the available evidence is currently insufficient to determine the role of this variant in disease. Therefore, it has been classified as a Variant of Uncertain Significance.